The following is an entry in ClinVar:

NM_019055.6(ROBO4):c.190C>T (p.Arg64Cys)

Gene: ROBO4 (roundabout guidance receptor 4; minus strand). Cytogenetic location: 11q24.2.
Variant type: single nucleotide variant.
Coding change: c.190C>T on transcript NM_019055.6 (MANE Select); coding-DNA position 190, C replaced by T.
Protein change: p.Arg64Cys; replaces arginine 64 with cysteine.
Molecular consequence: missense variant. On other transcripts: intron variant (1).
Genome position (GRCh38, 1-based): chr11:124,897,142, G>A on the plus strand (C>T on the coding strand, the complement: ROBO4 is on the minus strand). VCF-style: chr11-124897142-G-A. GRCh37 (hg19) VCF-style: chr11-124767038-G-A.
Other names: c.-159-87C>T (NM_001301088.2); short protein forms R64C.
Identifiers: ClinVar variation 560394 (VCV000560394.5), dbSNP rs201393279, ClinGen allele CA6345398.

ClinVar aggregate classification (germline): Conflicting classifications of pathogenicity. Review status: criteria provided, conflicting classifications (1 of 4 stars). 3 submissions from 3 submitters: Likely pathogenic (1); Uncertain significance (1). 1 of the submissions does not count toward it. Last evaluated 2021-01-09.

Conditions:
Bicuspid aortic valve. Identifiers: MedGen C0149630, HP:0001647.
Ascending tubular aorta aneurysm. Also called: Ascending aortic dilation; Dilatation of the ascending aorta; Ascending aortic aneurysm. Identifiers: MedGen C0856747, HP:0004970.
Aortic valve disease 3. Identifiers: MedGen C5193127, MONDO:0032783, OMIM 618496.

Allele frequency attached by ClinVar (database versions not stated): ESP Exome Variant Server 0.00015; gnomAD 0.00019; TOPMed 0.00029; ExAC 0.00019; 1000 Genomes Project 30x 0.00016; 1000 Genomes Project 0.00020; gnomAD exomes 0.00020.
gnomAD v4.1: 229 of 1,565,874 alleles (0.015%); highest among the groups gnomAD compares: Admixed American, 0.068%; no homozygotes.

Submissions (3):

Institute of Human Genetics, University of Leipzig Medical Center
Classification: Uncertain significance for Aortic valve disease 3. Last evaluated: 2021-01-09. Review status: criteria provided, single submitter. Criteria: ACMG Guidelines, 2015. Collection method: curation. Allele origin: germline. Inheritance: Autosomal dominant inheritance. Affected: yes.
Comment: This ROBO4 variant was reported as Pathogenicâ€‹ in PMID: 30455415 with original nomenclature reported as c.190C>T, p.Arg64Cys. Variant was re-classified as Uncertain Significance based on the criteria PS3_Moderate, PM1_Moderate, PP3_Supporting.

Baylor-Hopkins Center for Mendelian Genomics, Johns Hopkins University School of Medicine
Classification: Likely pathogenic for Bicuspid aortic valve; Dilatation of ascending aorta. Review status: criteria provided, single submitter. Criteria: Gould et al., Nature Genet 2019. Collection method: research. Allele origin: germline. Affected: yes. Observed: 2 variant alleles.

OMIM
Classification: Pathogenic for AORTIC VALVE DISEASE 3. Last evaluated: 2019-07-09. Review status: no assertion criteria provided. Collection method: literature only. Allele origin: germline. Not counted in ClinVar's aggregate classification.

Literature cited by the submitters: PubMed 30455415 (cited by Institute of Human Genetics, University of Leipzig Medical Center and OMIM).